The following is an entry in ClinVar:

NM_001363711.2(DUOX2):c.3631C>T (p.Arg1211Cys)

Gene: DUOX2 (dual oxidase 2; minus strand). Cytogenetic location: 15q21.1.
Variant type: single nucleotide variant.
Coding change: c.3631C>T on transcript NM_001363711.2 (MANE Select); coding-DNA position 3631, C replaced by T.
Protein change: p.Arg1211Cys; replaces arginine 1211 with cysteine.
Molecular consequence: missense variant.
Genome position (GRCh38, 1-based): chr15:45,097,676, G>A on the plus strand (C>T on the coding strand, the complement: DUOX2 is on the minus strand). VCF-style: chr15-45097676-G-A. GRCh37 (hg19) VCF-style: chr15-45389874-G-A.
Other names: c.3631C>T, p.Arg1211Cys (NM_014080.5); short protein forms R1211C.
Identifiers: ClinVar variation 1057940 (VCV001057940.8), dbSNP rs374410986, ClinGen allele CA7537791.

ClinVar aggregate classification (germline): Uncertain significance (1 of 4 stars; one submission).

Allele frequency attached by ClinVar (database versions not stated): gnomAD 0.00001 and 0.00002; ExAC 0.00004; gnomAD exomes 0.00004; ESP Exome Variant Server 0.00008; TOPMed 0.00008.
gnomAD v4.1: 46 of 1,614,090 alleles (0.0028%); highest among the groups gnomAD compares: Non-Finnish European, 0.0032%; no homozygotes.

Submission:

Labcorp Genetics (formerly Invitae), Labcorp
Classification: Uncertain significance. Last evaluated: 2025-12-26. Review status: criteria provided, single submitter. Criteria: Invitae Variant Classification Sherloc (09022015). Collection method: clinical testing. Allele origin: germline.
Comment: This sequence change replaces arginine, which is basic and polar, with cysteine, which is neutral and slightly polar, at codon 1211 of the DUOX2 protein (p.Arg1211Cys). This variant is present in population databases (rs374410986, gnomAD 0.008%). This missense change has been observed in individual(s) with very early onset inflammatory bowel disease (PMID: 26301257). ClinVar contains an entry for this variant (Variation ID: 1057940). Invitae Evidence Modeling of protein sequence and biophysical properties (such as structural, functional, and spatial information, amino acid conservation, physicochemical variation, residue mobility, and thermodynamic stability) indicates that this missense variant is expected to disrupt DUOX2 protein function with a positive predictive value of 80%. Experimental studies have shown that this missense change affects DUOX2 function (PMID: 26301257). This variant disrupts the p.Arg1211 amino acid residue in DUOX2. Other variant(s) that disrupt this residue have been determined to be pathogenic (PMID: 33490161). This suggests that this residue is clinically significant, and that variants that disrupt this residue are likely to be disease-causing. In summary, the available evidence is currently insufficient to determine the role of this variant in disease. Therefore, it has been classified as a Variant of Uncertain Significance.

Literature cited by the submitters: PubMed 26301257; PubMed 33490161.